The following is an entry in ClinVar:

NM_002807.4(PSMD1):c.2219-4A>G

Gene: PSMD1 (proteasome 26S subunit, non-ATPase 1; plus strand). Cytogenetic location: 2q37.1.
Variant type: single nucleotide variant.
Coding change: c.2219-4A>G on transcript NM_002807.4 (MANE Select); 4 bases into the intron before coding-DNA position 2219, A replaced by G.
Molecular consequence: intron variant.
Genome position (GRCh38, 1-based): chr2:231,161,336, A>G. VCF-style: chr2-231161336-A-G. GRCh37 (hg19) VCF-style: chr2-232026050-A-G.
Other names: NC_000002.11:g.232026050A>G; c.2219-4A>G (NM_001191037.2).
Identifiers: ClinVar variation 2651996 (VCV002651996.25), dbSNP rs62193732, ClinGen allele CA2159663.

ClinVar aggregate classification (germline): Likely benign (1 of 4 stars; one submission).

Allele frequency attached by ClinVar (database versions not stated): 1000 Genomes Project 0.00300; 1000 Genomes Project 30x 0.00344; TOPMed 0.00438; gnomAD 0.00466; ExAC 0.00489; ESP Exome Variant Server 0.00569; gnomAD exomes 0.00587.
gnomAD v4.1: 9,178 of 1,597,582 alleles (0.57%); highest among the groups gnomAD compares: Middle Eastern, 0.83%; 34 homozygotes.

Submissions (14):

CeGaT Center for Human Genetics Tuebingen
Classification: Likely benign. Last evaluated: 2023-04-01. Review status: criteria provided, single submitter. Criteria: CeGaT Center For Human Genetics Tuebingen Variant Classification Criteria Version 2. Collection method: clinical testing. Allele origin: germline. Affected: yes. Observed: 1 variant allele.
Comment: PSMD1: BP4, BS2

Dr. Peter K. Rogan Lab, Western University
No classification provided (evidence only). Condition: Malignant tumor of urinary bladder. Review status: no classification provided. Collection method: in vitro. Allele origin: not applicable. Functional consequence: skipped exon, retained intron. Not counted in ClinVar's aggregate classification.

Dr. Peter K. Rogan Lab, Western University
No classification provided (evidence only). Condition: Lung cancer. Review status: no classification provided. Collection method: in vitro. Allele origin: not applicable. Functional consequence: retained intron. Not counted in ClinVar's aggregate classification.

Dr. Peter K. Rogan Lab, Western University
No classification provided (evidence only). Condition: Melanoma. Review status: no classification provided. Collection method: in vitro. Allele origin: not applicable. Functional consequence: retained intron. Not counted in ClinVar's aggregate classification.

Dr. Peter K. Rogan Lab, Western University
No classification provided (evidence only). Condition: Melanoma. Review status: no classification provided. Collection method: in vitro. Allele origin: not applicable. Functional consequence: retained intron. Not counted in ClinVar's aggregate classification.

Dr. Peter K. Rogan Lab, Western University
No classification provided (evidence only). Condition: Familial cancer of breast. Review status: no classification provided. Collection method: in vitro. Allele origin: not applicable. Functional consequence: retained intron. Not counted in ClinVar's aggregate classification.

Dr. Peter K. Rogan Lab, Western University
No classification provided (evidence only). Condition: Familial cancer of breast. Review status: no classification provided. Collection method: in vitro. Allele origin: not applicable. Functional consequence: retained intron. Not counted in ClinVar's aggregate classification.

Dr. Peter K. Rogan Lab, Western University
No classification provided (evidence only). Condition: Familial cancer of breast. Review status: no classification provided. Collection method: in vitro. Allele origin: not applicable. Functional consequence: retained intron. Not counted in ClinVar's aggregate classification.

Dr. Peter K. Rogan Lab, Western University
No classification provided (evidence only). Condition: Acute myeloid leukemia. Review status: no classification provided. Collection method: in vitro. Allele origin: not applicable. Functional consequence: retained intron. Not counted in ClinVar's aggregate classification.

Dr. Peter K. Rogan Lab, Western University
No classification provided (evidence only). Condition: Acute myeloid leukemia. Review status: no classification provided. Collection method: in vitro. Allele origin: not applicable. Functional consequence: retained intron. Not counted in ClinVar's aggregate classification.

Dr. Peter K. Rogan Lab, Western University
No classification provided (evidence only). Condition: Acute myeloid leukemia. Review status: no classification provided. Collection method: in vitro. Allele origin: not applicable. Functional consequence: retained intron. Not counted in ClinVar's aggregate classification.

Dr. Peter K. Rogan Lab, Western University
No classification provided (evidence only). Condition: Thymoma. Review status: no classification provided. Collection method: in vitro. Allele origin: not applicable. Functional consequence: retained intron. Not counted in ClinVar's aggregate classification.

Dr. Peter K. Rogan Lab, Western University
No classification provided (evidence only). Condition: Adrenocortical carcinoma, hereditary. Review status: no classification provided. Collection method: in vitro. Allele origin: not applicable. Functional consequence: retained intron. Not counted in ClinVar's aggregate classification.

Dr. Peter K. Rogan Lab, Western University
No classification provided (evidence only). Condition: Adrenocortical carcinoma, hereditary. Review status: no classification provided. Collection method: in vitro. Allele origin: not applicable. Functional consequence: retained intron. Not counted in ClinVar's aggregate classification.